The following is an entry in ClinVar:

NM_000518.5(HBB):c.431A>G (p.His144Arg)

Genes: HBB (hemoglobin subunit beta; minus strand), LOC107133510 (origin of replication at HBB; plus strand), LOC110006319 (beta-globin gene 3' regulatory region; plus strand). Cytogenetic location: 11p15.4.
Variant type: single nucleotide variant.
Coding change: c.431A>G on transcript NM_000518.5 (MANE Select); coding-DNA position 431, A replaced by G.
Protein change: p.His144Arg; replaces histidine 144 with arginine.
Molecular consequence: missense variant.
Genome position (GRCh38, 1-based): chr11:5,225,611, T>C on the plus strand (A>G on the coding strand, the complement: HBB is on the minus strand). VCF-style: chr11-5225611-T-C. GRCh37 (hg19) VCF-style: chr11-5246841-T-C.
Other names: H143R; short protein forms H144R.
Identifiers: ClinVar variation 15090 (VCV000015090.12), dbSNP rs33918338, ClinGen allele CA124714.

ClinVar aggregate classification (germline): Pathogenic/Likely pathogenic. Review status: criteria provided, multiple submitters, no conflicts (2 of 4 stars). 4 submissions from 4 submitters: Pathogenic (1); Likely pathogenic (2). 1 of the submissions does not count toward it. Last evaluated 2025-08-04.

Conditions:
beta Thalassemia (BTHAL). Also called: Cooley's anemia; Erythroblastic anemia; Mediterranean anemia. Identifiers: Orphanet 848, MedGen C0005283, MONDO:0019402. Disease mechanism: loss of function.
HEMOGLOBIN ABRUZZO.

Allele frequency attached by ClinVar (database versions not stated): gnomAD exomes below 0.00001.
gnomAD v4.1: 1 of 1,614,144 alleles (0.000062%); highest among the groups gnomAD compares: East Asian, 0.0022%; no homozygotes.

Submissions (4):

Natera, Inc.
Classification: Likely pathogenic for Beta thalassemia. Last evaluated: 2025-08-04. Review status: criteria provided, single submitter. Criteria: Natera Variant Classification Schema (03/2026). Collection method: clinical testing. Allele origin: germline.
Comment: The c.431A>G variant in HBB is a missense variant predicted to cause substitution of histidine to arginine at amino acid 144. This variant is rare in the general population with a frequency below the threshold expected for the associated phenotype(s). This variant has been observed in one or more individuals affected with the associated recessive disease, as either homozygous or compound heterozygous with a second variant (PMID: 16282896, 26790389). A different variant at the same position has been determined to be Pathogenic or Likely Pathogenic. Given the available evidence, this variant is classified as Likely Pathogenic.

Quest Diagnostics Nichols Institute San Juan Capistrano
Classification: Likely pathogenic. Last evaluated: 2025-01-22. Review status: criteria provided, single submitter. Criteria: Quest Diagnostics criteria. Collection method: clinical testing. Allele origin: unknown.
Comment: The HBB c.431A>G (p.His144Arg) variant, also known as Hb Abruzzo, has been reported in the published literature in individuals heterozygous and homozygous for the variant with erythrocytosis (PMIDs: 2283302, (1990), 8330980 (1993), 16282896 (2005)). Additionally, this variant is seen in compound heterozygous individuals who carry an additional pathogenic heme variant, including HbS (PMID: 26790389 (2016)) and beta0-thalassemia (PMID: 5031790 (1972), 2283302 (1990)), with hemolytic anemia, splenomegaly, and erythrocytosis. Hb Abruzzo is reported to have increased oxygen affinity, reduced heme-heme interactions, and impaired binding of 2,3-diphosphoglycerate (2,3-DPG), an important hemoglobin regulatory molecule (PMIDs: 239943 (1975), 1158862 (1975), 8330980 (1993), HbVar, ITHANET). Based on the available information, this variant is classified as likely pathogenic.

ARUP Laboratories, Molecular Genetics and Genomics, ARUP Laboratories
Classification: Pathogenic. Last evaluated: 2020-06-23. Review status: criteria provided, single submitter. Criteria: ARUP Molecular Germline Variant Investigation Process. Collection method: clinical testing. Allele origin: germline.
Comment: The Hb Abruzzo variant (HBB: c.431A>G; p.His144Arg, also known as His143Arg when numbered from the mature protein; rs33918338) is reported in the literature in both the homozygous and heterozygous states in multiple individuals affected with erythrocytosis (Mosca 1993, Shrikhande 2016, Venkateswaran 2005, HbVar and references therein). This variant has been observed to segregate with erythrocytosis in at least one family (Venkateswaran 2005), and its occurrence in heterozygous affected individuals suggests it acts in a dominant manner (Mosca 1993, Shrikhande 2016, Venkateswaran 2005, HbVar and references therein). This variant is found only on a single chromosome (1/251362 alleles) in the Genome Aggregation Database, indicating it is not a common polymorphism. The histidine at codon 144 is highly conserved, occurs in the functionally important 2,3-diphosphoglycerate binding site (Wajcman 2005), and functional studies indicate this variant exhibits increased oxygen affinity (Bonaventura 1975, Venkateswaran 2005). Additionally, other amino acid substitutions at this codon (p.His144Gln, p.His144Pro) exhibit increased oxygen affinity and are associated with erythrocytosis (Camps 2016, Jensen 1975, Wajcman 2005). Based on available information, the Hb Abruzzo variant is considered to be pathogenic. References: HbVar link for Hb Abruzzo: Bonaventura C et al. Hemoglobin Abruzzo (beta143 (H21) His replaced by Arg). Consequences of altering the 2,3-diphosphoglycerate binding site. J Biol Chem. 1975 Aug 25;250(16):6273-7. Camps C et al. Gene panel sequencing improves the diagnostic work-up of patients with idiopathic erythrocytosis and identifies new mutations. Haematologica. 2016 Nov;101(11):1306-1318. Jensen M et al. Hemoglobin Syracuse (alpha2beta2-143(H21)His leads to Pro), a new high-affinity variant detected by special electrophoretic methods. Observations on the auto-oxidation of normal and variant hemoglobins. J Clin Invest. 1975 Mar;55(3):469-77. Mosca A et al. Hb Abruzzo [beta 143(H21)His-->Arg] identified by mass spectrometry and DNA analysis. Hemoglobin. 1993 Jun;17(3):261-8. Shrikhande AV and Pawar PS. Association of a high oxygen affinity hemoglobin Abruzzo with HbS: first family study from Central India. Int J Lab Hematol. 2016 Apr;38(2):e30-4. Venkateswaran L et al. Homozygous hemoglobin Abruzzo in a North American child. J Pediatr Hematol Oncol. 2005 Nov;27(11):618-20. Wajcman H and Galacteros F. Hemoglobins with high oxygen affinity leading to erythrocytosis. New variants and new concepts. Hemoglobin. 2005;29(2):91-106.

OMIM
Classification: other for HEMOGLOBIN ABRUZZO. Last evaluated: 2017-12-12. Review status: no assertion criteria provided. Collection method: literature only. Allele origin: germline. Not counted in ClinVar's aggregate classification.

Literature cited by the submitters: PubMed 16282896 (cited by Natera, Inc. and Quest Diagnostics Nichols Institute San Juan Capistrano); PubMed 26790389 (cited by Natera, Inc. and Quest Diagnostics Nichols Institute San Juan Capistrano); PubMed 31553106 (cited by Quest Diagnostics Nichols Institute San Juan Capistrano); PubMed 2283302 (cited by Quest Diagnostics Nichols Institute San Juan Capistrano); PubMed 5031790 (cited by Quest Diagnostics Nichols Institute San Juan Capistrano); PubMed 239943 (cited by Quest Diagnostics Nichols Institute San Juan Capistrano); PubMed 1158862 (cited by Quest Diagnostics Nichols Institute San Juan Capistrano); PubMed 8330980 (cited by Quest Diagnostics Nichols Institute San Juan Capistrano); Tentori, L. Three examples of double heterozygosis for beta-thalassemia and a rare hemoglobin variant. (Abstract) International Symposium of Hemoglobins and Thalassemia, Istanbul, Turkey 1974. (cited by OMIM); Chiancone, E., Norne, J. E., Bonaventura, J., Bonaventura, C., Forsen, S. Nuclear magnetic resonance quadrupole relaxation study of chloride binding to hemoglobin Abruzzo (beta 143 his-to-arg). Biochim. Biophys. Acta 336: 403-406, 1974. (cited by OMIM); PubMed 2283301 (cited by OMIM).